The following is an entry in ClinVar:

NM_001080449.3(DNA2):c.1838A>T (p.His613Leu)

Gene: DNA2 (DNA replication helicase/nuclease 2; minus strand). Cytogenetic location: 10q21.3.
Variant type: single nucleotide variant.
Coding change: c.1838A>T on transcript NM_001080449.3 (MANE Select); coding-DNA position 1838, A replaced by T.
Protein change: p.His613Leu; replaces histidine 613 with leucine.
Molecular consequence: missense variant. On other transcripts: non-coding transcript variant (1).
Genome position (GRCh38, 1-based): chr10:68,432,241, T>A on the plus strand (A>T on the coding strand, the complement: DNA2 is on the minus strand). VCF-style: chr10-68432241-T-A. GRCh37 (hg19) VCF-style: chr10-70191998-T-A.
Other names: short protein forms H613L.
Identifiers: ClinVar variation 3644035 (VCV003644035.2).

ClinVar aggregate classification (germline): Uncertain significance (1 of 4 stars; one submission).

gnomAD v4.1: 4 of 1,606,678 alleles (0.00025%); highest among the groups gnomAD compares: Non-Finnish European, 0.00034%; no homozygotes.

Submission:

Labcorp Genetics (formerly Invitae), Labcorp
Classification: Uncertain significance. Last evaluated: 2024-03-01. Review status: criteria provided, single submitter. Criteria: Invitae Variant Classification Sherloc (09022015). Collection method: clinical testing. Allele origin: germline.
Comment: This sequence change replaces histidine, which is basic and polar, with leucine, which is neutral and non-polar, at codon 613 of the DNA2 protein (p.His613Leu). This variant is present in population databases (no rsID available, gnomAD 0.0009%). This variant has not been reported in the literature in individuals affected with DNA2-related conditions. Advanced modeling of protein sequence and biophysical properties (such as structural, functional, and spatial information, amino acid conservation, physicochemical variation, residue mobility, and thermodynamic stability) performed at Invitae indicates that this missense variant is not expected to disrupt DNA2 protein function with a negative predictive value of 80%. In summary, the available evidence is currently insufficient to determine the role of this variant in disease. Therefore, it has been classified as a Variant of Uncertain Significance.